The following is an entry in ClinVar:

NM_016373.4(WWOX):c.529_532del (p.Val177fs)

Gene: WWOX (WW domain containing oxidoreductase; plus strand). Cytogenetic location: 16q23.1.
Variant type: Deletion.
Coding change: c.529_532del on transcript NM_016373.4 (MANE Select); coding-DNA positions 529 to 532, 4 bases deleted (GTAG; older notation c.529_532delGTAG).
Protein change: p.Val177fs; shifts the reading frame from valine 177.
Molecular consequence: frameshift variant.
Genome position (GRCh38, 1-based): chr16:78,386,872-78,386,875, GTAG deleted; deleting any 4 consecutive bases within chr16:78,386,870-78,386,875 gives the same sequence; the c. name uses the placement nearest the transcript's 3' end. VCF-style (leftmost placement, unchanged base first): chr16-78386869-AAGGT-A. GRCh37 (hg19) VCF-style: chr16-78420766-AAGGT-A.
Other names: c.190_193del, p.Val64fs (NM_001291997.2); short protein forms V64fs, V177fs.
Identifiers: ClinVar variation 4785757 (VCV004785757.1).
Genomic context (GRCh38, chr16:78,386,869, plus strand): 5'-GAACTACACTTGCTGTTATTTATCATTTCTTTTTATTTTCTCTCATTGCAGCATAAAGCC[AAGGT>A]AGAAGCAATGACCCTGGACCTCGCTCTGCTCCGTAGCGTGCAGCATTTTGCTGAAGCATT-3'

ClinVar aggregate classification (germline): Pathogenic (1 of 4 stars; one submission).

Conditions:
Autosomal recessive spinocerebellar ataxia 12. Also called: SPINOCEREBELLAR ATAXIA WITH MENTAL RETARDATION AND EPILEPSY. Identifiers: Orphanet 284282, MedGen C3280452, MONDO:0013687, OMIM 614322.
Developmental and epileptic encephalopathy, 1 (DEE1). Also called: X-linked infantile spasms; West's syndrome; Tonic spasms with clustering, arrest of psychomotor development and hypsarrhythmia on EEG; X-Linked Infantile Spasm Syndrome; OHTAHARA SYNDROME, X-LINKED; INFANTILE SPASM SYNDROME, X-LINKED 1. Identifiers: MedGen C3463992, MONDO:0010632, OMIM 308350. Disease mechanism: loss of function.

Submission:

Labcorp Genetics (formerly Invitae), Labcorp
Classification: Pathogenic for Developmental and epileptic encephalopathy, 1; Autosomal recessive spinocerebellar ataxia 12. Last evaluated: 2025-09-10. Review status: criteria provided, single submitter. Criteria: Invitae Variant Classification Sherloc (09022015). Collection method: clinical testing. Allele origin: germline.
Comment: This sequence change creates a premature translational stop signal (p.Val177Lysfs*3) in the WWOX gene. It is expected to result in an absent or disrupted protein product. Loss-of-function variants in WWOX are known to be pathogenic (PMID: 24456803, 25411445). This variant is not present in population databases (gnomAD no frequency). This variant has not been reported in the literature in individuals affected with WWOX-related conditions. For these reasons, this variant has been classified as Pathogenic.

Literature cited by the submitters: PubMed 24456803; PubMed 25411445.